The following is an entry in ClinVar:

NM_001366110.1(PAX4):c.*196C>T

Gene: PAX4 (paired box 4; minus strand). Cytogenetic location: 7q32.1.
Variant type: single nucleotide variant.
Coding change: c.*196C>T on transcript NM_001366110.1 (MANE Select); 196 bases downstream of the stop codon, C replaced by T.
Molecular consequence: 3 prime UTR variant. On other transcripts: missense variant (1).
Genome position (GRCh38, 1-based): chr7:127,610,868, G>A on the plus strand (C>T on the coding strand, the complement: PAX4 is on the minus strand). VCF-style: chr7-127610868-G-A. GRCh37 (hg19) VCF-style: chr7-127250922-G-A.
Other names: c.1031C>T, p.Thr344Ile (NM_001366111.1); short protein forms T344I.
Identifiers: ClinVar variation 2577352 (VCV002577352.1), dbSNP rs1332351860, ClinGen allele CA369164740.

ClinVar aggregate classification (germline): Uncertain significance (1 of 4 stars; one submission).

gnomAD v4.1: 11 of 1,538,896 alleles (0.00071%); highest among the groups gnomAD compares: South Asian, 0.0012%; no homozygotes.

Submission:

Women's Health and Genetics/Laboratory Corporation of America, LabCorp
Classification: Uncertain significance. Last evaluated: 2023-07-12. Review status: criteria provided, single submitter. Criteria: LabCorp Variant Classification Summary - May 2015. Collection method: clinical testing. Allele origin: germline.
Comment: Variant summary: PAX4 c.*196C>T is located in the untranslated mRNA region downstream of the termination codon. The variant allele was found at a frequency of 2.1e-05 in 139812 control chromosomes (gnomAD). The available data on variant occurrences in the general population are insufficient to allow any conclusion about variant significance. To our knowledge, no occurrence of c.*196C>T in individuals affected with Monogenic Diabetes and no experimental evidence demonstrating its impact on protein function have been reported. No submitters have cited clinical-significance assessments for this variant to ClinVar after 2014. Based on the evidence outlined above, the variant was classified as uncertain significance.